The following is an entry in ClinVar:

NM_015910.7(WDPCP):c.29_31del (p.Tyr10del)

Gene: WDPCP (WD repeat containing planar cell polarity effector; minus strand). Cytogenetic location: 2p15.
Variant type: Deletion.
Coding change: c.29_31del on transcript NM_015910.7 (MANE Select); coding-DNA positions 29 to 31, 3 bases deleted (ACT; older notation c.29_31delACT).
Protein change: p.Tyr10del; deletes tyrosine 10.
Molecular consequence: inframe deletion. On other transcripts: 5 prime UTR variant (1), non-coding transcript variant (2).
Genome position (GRCh38, 1-based): chr2:63,588,241-63,588,243, AGT deleted on the plus strand (ACT on the coding strand, the reverse complement: WDPCP is on the minus strand); deleting any 3 consecutive bases within chr2:63,588,241-63,588,245 gives the same sequence; the c. name uses the placement nearest the transcript's 3' end. VCF-style (leftmost placement, unchanged base first): chr2-63588240-GAGT-G. GRCh37 (hg19) VCF-style: chr2-63815374-GAGT-G.
Other names: c.-296_-294del (NM_001354044.2); c.29_31del, p.Tyr10del (NM_001354045.2); short protein forms Y10del.
Identifiers: ClinVar variation 1422953 (VCV001422953.8), dbSNP rs2106583906, ClinGen allele CA2573135078.

ClinVar aggregate classification (germline): Uncertain significance (1 of 4 stars; one submission).

Conditions:
Bardet-Biedl syndrome (BBS). Identifiers: Orphanet 110, MedGen C0752166, MONDO:0015229.

Submission:

Labcorp Genetics (formerly Invitae), Labcorp
Classification: Uncertain significance for Bardet-Biedl syndrome. Last evaluated: 2020-11-14. Review status: criteria provided, single submitter. Criteria: Invitae Variant Classification Sherloc (09022015). Collection method: clinical testing. Allele origin: germline.
Comment: In summary, the available evidence is currently insufficient to determine the role of this variant in disease. Therefore, it has been classified as a Variant of Uncertain Significance. Experimental studies and prediction algorithms are not available or were not evaluated, and the functional significance of this variant is currently unknown. This variant has not been reported in the literature in individuals with WDPCP-related conditions. This variant is not present in population databases (ExAC no frequency). This variant, c.29_31del, results in the deletion of 1 amino acid(s) of the WDPCP protein (p.Tyr10del), but otherwise preserves the integrity of the reading frame.